The following is an entry in ClinVar:

ClinVar aggregate classification (germline): Likely benign. Review status: criteria provided, multiple submitters, no conflicts (2 of 4 stars). 2 submissions from 2 submitters: Likely benign (2). Last evaluated 2025-09-30.

Conditions:
Autosomal recessive limb-girdle muscular dystrophy type 2J (LGMDR10). Also called: MUSCULAR DYSTROPHY, LIMB-GIRDLE, AUTOSOMAL RECESSIVE 10; Limb-girdle muscular dystrophy, type 2J. Identifiers: Orphanet 140922, MedGen C1837342, MONDO:0012127, OMIM 608807.
Dilated cardiomyopathy 1G (CMD1G). Identifiers: Orphanet 154, MedGen C1858763, MONDO:0011400, OMIM 604145.

Submissions (2):

Labcorp Genetics (formerly Invitae), Labcorp
Classification: Likely benign for Dilated cardiomyopathy 1G; Autosomal recessive limb-girdle muscular dystrophy type 2J. Last evaluated: 2025-09-30. Review status: criteria provided, single submitter. Criteria: Invitae Variant Classification Sherloc (09022015). Collection method: clinical testing. Allele origin: germline.

GeneDx
Classification: Likely benign. Last evaluated: 2017-09-19. Review status: criteria provided, single submitter. Criteria: GeneDx Variant Classification (06012015). Collection method: clinical testing. Allele origin: germline. Affected: yes.
Comment: This variant is considered likely benign or benign based on one or more of the following criteria: it is a conservative change, it occurs at a poorly conserved position in the protein, it is predicted to be benign by multiple in silico algorithms, and/or has population frequency not consistent with disease.

NM_001267550.2(TTN):c.5973T>A (p.Pro1991=)

Gene: TTN (titin; minus strand). Cytogenetic location: 2q31.2.
Variant type: single nucleotide variant.
Coding change: c.5973T>A on transcript NM_001267550.2 (MANE Select); coding-DNA position 5973, T replaced by A.
Protein change: p.Pro1991=; no amino-acid change (proline 1991 retained).
Molecular consequence: synonymous variant.
Genome position (GRCh38, 1-based): chr2:178,775,891, A>T on the plus strand (T>A on the coding strand, the complement: TTN is on the minus strand). VCF-style: chr2-178775891-A-T. GRCh37 (hg19) VCF-style: chr2-179640618-A-T.
Other names: c.5835T>A, p.Pro1945= (NM_003319.4, NM_133432.3, NM_133437.4); c.5973T>A, p.Pro1991= (NM_133378.4, NM_133379.5, NM_001256850.1).
Identifiers: ClinVar variation 512257 (VCV000512257.2), dbSNP rs1554005997, ClinGen allele CA430280800.